The following is an entry in ClinVar:

ClinVar aggregate classification (germline): Uncertain significance. Review status: criteria provided, multiple submitters, no conflicts (2 of 4 stars). 2 submissions from 2 submitters: Uncertain significance (2). Last evaluated 2024-06-06.

Allele frequency attached by ClinVar (database versions not stated): TOPMed 0.00006; ESP Exome Variant Server 0.00008.
gnomAD v4.1: 59 of 1,609,402 alleles (0.0037%); highest among the groups gnomAD compares: East Asian, 0.029%; 1 homozygote.

Submissions (2):

Blueprint Genetics
Classification: Uncertain significance. Last evaluated: 2024-06-06. Review status: criteria provided, single submitter. Criteria: ACMG Guidelines, 2015. Collection method: clinical testing. Allele origin: germline.

Labcorp Genetics (formerly Invitae), Labcorp
Classification: Uncertain significance. Last evaluated: 2023-08-17. Review status: criteria provided, single submitter. Criteria: Invitae Variant Classification Sherloc (09022015). Collection method: clinical testing. Allele origin: germline.
Comment: This sequence change replaces glycine, which is neutral and non-polar, with arginine, which is basic and polar, at codon 218 of the CREB3L1 protein (p.Gly218Arg). This variant is present in population databases (rs376081099, gnomAD 0.02%), including at least one homozygous and/or hemizygous individual. This variant has not been reported in the literature in individuals affected with CREB3L1-related conditions. ClinVar contains an entry for this variant (Variation ID: 1518314). An algorithm developed to predict the effect of missense changes on protein structure and function (PolyPhen-2) suggests that this variant is likely to be disruptive. In summary, the available evidence is currently insufficient to determine the role of this variant in disease. Therefore, it has been classified as a Variant of Uncertain Significance.

NM_052854.4(CREB3L1):c.652G>C (p.Gly218Arg)

Gene: CREB3L1 (cAMP responsive element binding protein 3 like 1; plus strand). Cytogenetic location: 11p11.2.
Variant type: single nucleotide variant.
Coding change: c.652G>C on transcript NM_052854.4 (MANE Select); coding-DNA position 652, G replaced by C.
Protein change: p.Gly218Arg; replaces glycine 218 with arginine.
Molecular consequence: missense variant.
Genome position (GRCh38, 1-based): chr11:46,311,088, G>C. VCF-style: chr11-46311088-G-C. GRCh37 (hg19) VCF-style: chr11-46332639-G-C.
Other names: short protein forms G218R.
Identifiers: ClinVar variation 1518314 (VCV001518314.7), dbSNP rs376081099, ClinGen allele CA5961655.